The following is an entry in ClinVar:

ClinVar aggregate classification (germline): Uncertain significance (1 of 4 stars; one submission).

Submission:

CeGaT Center for Human Genetics Tuebingen
Classification: Uncertain significance. Last evaluated: 2026-04-01. Review status: criteria provided, single submitter. Criteria: CeGaT Center For Human Genetics Tuebingen Variant Classification Criteria Version 2. Collection method: clinical testing. Allele origin: germline. Affected: yes. Observed: 1 variant allele.
Comment: SHANK3: PM2:Supporting, BP4

NM_001372044.2(SHANK3):c.2390C>T (p.Ala797Val)

Gene: SHANK3 (SH3 and multiple ankyrin repeat domains 3; plus strand). Cytogenetic location: 22q13.33.
Variant type: single nucleotide variant.
Coding change: c.2390C>T on transcript NM_001372044.2 (MANE Select); coding-DNA position 2390, C replaced by T.
Protein change: p.Ala797Val; replaces alanine 797 with valine.
Molecular consequence: missense variant.
Genome position (GRCh38, 1-based): chr22:50,714,947, C>T. VCF-style: chr22-50714947-C-T. GRCh37 (hg19) VCF-style: chr22-51153375-C-T.
Other names: short protein forms A797V.
Identifiers: ClinVar variation 4872366 (VCV004872366.2).